The following is an entry in ClinVar:

NM_032121.5(MAGT1):c.44_45insGG (p.Leu16fs)

Gene: MAGT1 (magnesium transporter 1; minus strand). Cytogenetic location: Xq21.1.
Variant type: Insertion.
Coding change: c.44_45insGG on transcript NM_032121.5; coding-DNA positions 44 to 45, GG inserted.
Protein change: p.Leu16fs; shifts the reading frame from leucine 16.
Molecular consequence: frameshift variant.
Genome position: GRCh38 VCF-style: chrX-77895462-G-GCC. GRCh37 (hg19) VCF-style: chrX-77150959-G-GCC.
Other names: short protein forms L16fs.
Identifiers: ClinVar variation 4849474 (VCV004849474.1).
Genomic context (GRCh38, chrX:77,895,462, plus strand): 5'-CGCTGCCATGTTCGCTCCTCTCCCTTCTATAAGTGAAACTTTGCTCCGGCTAGGTCTGAG[G>GCC]GTGGGGCGTGAGAACAGGCAAATCGGCCCCTTGCCTTTCCTCATTGGTCCAGCTCAGCCC-3'

ClinVar aggregate classification (germline): Likely pathogenic (1 of 4 stars; one submission).

Conditions:
X-linked immunodeficiency with magnesium defect, Epstein-Barr virus infection and neoplasia. Identifiers: Orphanet 317476, MedGen C3275445, MONDO:0010455, OMIM 300853.
Congenital disorder of glycosylation, type ICC. Identifiers: MedGen C5231393, MONDO:0026729, OMIM 301031.

Submission:

First Genomix Gene Laboratory, Genetic Diagnostics Department
Classification: Likely pathogenic for Congenital disorder of glycosylation, type ICC; X-linked immunodeficiency with magnesium defect, Epstein-Barr virus infection and neoplasia. Last evaluated: 2025-05-23. Review status: criteria provided, single submitter. Criteria: ACMG Guidelines, 2015. Collection method: clinical testing. Allele origin: germline. Inheritance: X-linked inheritance. Affected: no. Observed: 1 variant allele.